The following is an entry in ClinVar:

NM_181703.4(GJA5):c.333del (p.Glu112fs)

Gene: GJA5 (gap junction protein alpha 5; minus strand). Cytogenetic location: 1q21.2.
Variant type: Deletion.
Coding change: c.333del on transcript NM_181703.4 (MANE Select); coding-DNA position 333, one base deleted (C; older notation c.333delC).
Protein change: p.Glu112fs; shifts the reading frame from glutamic acid 112.
Molecular consequence: frameshift variant.
Genome position (GRCh38, 1-based): chr1:147,758,906, G deleted on the plus strand (C on the coding strand, the reverse complement: GJA5 is on the minus strand); the first of 2 consecutive G bases (chr1:147,758,906-147,758,907); deleting either gives the same sequence. VCF-style (leftmost placement, unchanged base first): chr1-147758905-CG-C. GRCh37 (hg19) VCF-style: chr1-147231013-CG-C.
Other names: c.333del, p.Glu112fs (NM_005266.7); short protein forms E112fs.
Identifiers: ClinVar variation 2446332 (VCV002446332.2), dbSNP rs2524611384, ClinGen allele CA2580060955.
Genomic context (GRCh38, chr1:147,758,905, plus strand): 5'-CTGCCTTCTCTGCCACCGGGTACTCGTAAGAGCCAGAGCCCCGGACCTCTTTGGCCCTCT[CG>C]GCCTCCCGTAGCTTGCGCTTCTCCTGCATGCGCACAGTGTGCATGGCGTGGCCCATGTAC-3'

ClinVar aggregate classification (germline): Uncertain significance (1 of 4 stars; one submission).

Submission:

GeneDx
Classification: Uncertain significance. Last evaluated: 2025-02-13. Review status: criteria provided, single submitter. Criteria: GeneDx Variant Classification Process June 2021. Collection method: clinical testing. Allele origin: germline.
Comment: Not observed at significant frequency in large population cohorts (gnomAD); Has not been previously published as pathogenic or benign to our knowledge; Frameshift variant predicted to result in abnormal protein length as the last 247 amino acid(s) are replaced with 46 different amino acid(s)